The following is an entry in ClinVar:

NM_001113491.2(SEPTIN9):c.1380+5G>T

Gene: SEPTIN9 (septin 9; plus strand). Cytogenetic location: 17q25.3.
Variant type: single nucleotide variant.
Coding change: c.1380+5G>T on transcript NM_001113491.2 (MANE Select); 5 bases into the intron after coding-DNA position 1380, G replaced by T.
Molecular consequence: intron variant.
Genome position (GRCh38, 1-based): chr17:77,490,864, G>T. VCF-style: chr17-77490864-G-T. GRCh37 (hg19) VCF-style: chr17-75486946-G-T.
Other names: c.1323+5G>T (NM_001293695.2); c.888+5G>T (NM_001113492.2, NM_001113494.1); c.1326+5G>T (NM_006640.5); c.1359+5G>T (NM_001113493.2); c.708+5G>T (NM_001293696.2); c.627+5G>T (NM_001113496.2, NM_001293697.2, NM_001293698.2 and 1 more transcripts).
Identifiers: ClinVar variation 1682662 (VCV001682662.5), dbSNP rs762976032, ClinGen allele CA294295772.

ClinVar aggregate classification (germline): Uncertain significance (1 of 4 stars; one submission).

gnomAD v4.1: 5 of 1,563,080 alleles (0.00032%); highest among the groups gnomAD compares: South Asian, 0.0012%; no homozygotes.

Submission:

Labcorp Genetics (formerly Invitae), Labcorp
Classification: Uncertain significance. Last evaluated: 2024-04-30. Review status: criteria provided, single submitter. Criteria: Invitae Variant Classification Sherloc (09022015). Collection method: clinical testing. Allele origin: germline.
Comment: This sequence change falls in intron 7 of the SEPT9 gene. It does not directly change the encoded amino acid sequence of the SEPT9 protein. It affects a nucleotide within the consensus splice site. The frequency data for this variant in the population databases is considered unreliable, as metrics indicate poor data quality at this position in the gnomAD database. This variant has not been reported in the literature in individuals affected with SEPT9-related conditions. ClinVar contains an entry for this variant (Variation ID: 1682662). Variants that disrupt the consensus splice site are a relatively common cause of aberrant splicing (PMID: 17576681, 9536098). Algorithms developed to predict the effect of sequence changes on RNA splicing suggest that this variant is not likely to affect RNA splicing. In summary, the available evidence is currently insufficient to determine the role of this variant in disease. Therefore, it has been classified as a Variant of Uncertain Significance.

Literature cited by the submitters: PubMed 17576681; PubMed 9536098.